The following is an entry in ClinVar:

ClinVar aggregate classification (germline): Uncertain significance (1 of 4 stars; one submission).

Conditions:
Kabuki syndrome. Also called: NIIKAWA-KUROKI SYNDROME; Kabuki make-up syndrome. Identifiers: Orphanet 2322, MedGen C0796004, MONDO:0016512.

Submission:

Labcorp Genetics (formerly Invitae), Labcorp
Classification: Uncertain significance for Kabuki syndrome. Last evaluated: 2025-04-23. Review status: criteria provided, single submitter. Criteria: Invitae Variant Classification Sherloc (09022015). Collection method: clinical testing. Allele origin: germline.
Comment: This sequence change replaces leucine, which is neutral and non-polar, with arginine, which is basic and polar, at codon 4611 of the KMT2D protein (p.Leu4611Arg). This variant is not present in population databases (gnomAD no frequency). This variant has not been reported in the literature in individuals affected with KMT2D-related conditions. ClinVar contains an entry for this variant (Variation ID: 3635095). Invitae Evidence Modeling of protein sequence and biophysical properties (such as structural, functional, and spatial information, amino acid conservation, physicochemical variation, residue mobility, and thermodynamic stability) indicates that this missense variant is expected to disrupt KMT2D protein function with a positive predictive value of 95%. In summary, the available evidence is currently insufficient to determine the role of this variant in disease. Therefore, it has been classified as a Variant of Uncertain Significance.

NM_003482.4(KMT2D):c.13832T>G (p.Leu4611Arg)

Gene: KMT2D (lysine methyltransferase 2D; minus strand). Cytogenetic location: 12q13.12.
Variant type: single nucleotide variant.
Coding change: c.13832T>G on transcript NM_003482.4 (MANE Select); coding-DNA position 13832, T replaced by G.
Protein change: p.Leu4611Arg; replaces leucine 4611 with arginine.
Molecular consequence: missense variant.
Genome position (GRCh38, 1-based): chr12:49,030,608, A>C on the plus strand (T>G on the coding strand, the complement: KMT2D is on the minus strand). VCF-style: chr12-49030608-A-C. GRCh37 (hg19) VCF-style: chr12-49424391-A-C.
Other names: short protein forms L4611R.
Identifiers: ClinVar variation 3635095 (VCV003635095.2).